The following is an entry in ClinVar:

NM_000350.3(ABCA4):c.4537dup (p.Gln1513fs)

Gene: ABCA4 (ATP binding cassette subfamily A member 4; minus strand). Cytogenetic location: 1p22.1.
Variant type: Duplication.
Coding change: c.4537dup on transcript NM_000350.3 (MANE Select); coding-DNA position 4537, one base duplicated (C; older notation c.4537dupC).
Protein change: p.Gln1513fs; shifts the reading frame from glutamine 1513.
Molecular consequence: frameshift variant.
Genome position (GRCh38, 1-based): chr1:94,029,447, G duplicated on the plus strand (C on the coding strand, the reverse complement: ABCA4 is on the minus strand); the first of 7 consecutive G bases (chr1:94,029,447-94,029,453); duplicating any one gives the same sequence. VCF-style (leftmost placement, unchanged base first): chr1-94029446-T-TG. GRCh37 (hg19) VCF-style: chr1-94495002-T-TG.
Other names: NM_000350.3(ABCA4):c.4537dup; p.Gln1513fs; c.4537dupC (NM_000350.2); c.4309dup, p.Gln1439Profs (NM_001425324.1); short protein forms Q1513fs.
Identifiers: ClinVar variation 99292 (VCV000099292.30), dbSNP rs281865377, ClinGen allele CA227205.
Genomic context (GRCh38, chr1:94,029,446, plus strand): 5'-CTCCCCTAGTCCCTCTGTGGCAGGCAGACCTGGGGCCCCGTTGTTTGGAGGTCAGGTACC[T>TG]GGGGGGGCGGGAGGCCCCCGGCACCCTCGGGGCACTCTGGCAGCATGGTGAGCTTCTCCC-3'

ClinVar aggregate classification (germline): Pathogenic. Review status: reviewed by expert panel (3 of 4 stars). 18 submissions from 17 submitters: Pathogenic (1). 17 of the submissions do not count toward it. Last evaluated 2026-01-27.

Conditions:
Macular dystrophy. Identifiers: MedGen C0730292, HP:0007754.
ABCA4-related disorder. Also called: ABCA4-related disorders; ABCA4-related condition. Identifiers: MedGen CN239167.
ABCA4-related retinopathy. Also called: ABCA4-related retinoapthy; ABCA4 retinoapthy. Identifiers: MedGen CN322612, MONDO:0800406.
Retinal dystrophy. Also called: Inherited retinal dystrophy. Identifiers: Orphanet 71862, MedGen C0854723, MeSH D058499, MONDO:0019118, HP:0000556.
Retinitis pigmentosa (RP). Identifiers: Orphanet 791, MedGen C0035334, MeSH D012174, MONDO:0019200, OMIM 268000. Inheritance: Autosomal dominant, autosomal recessive and X linked inheritance.
Cone-rod dystrophy. Also called: Cone/cone-rod dystrophy; Cone-rod degeneration. Identifiers: Orphanet 1872, MedGen C4085590, MONDO:0015993, HP:0000548.
Cone-rod dystrophy 3 (CORD3). Identifiers: Orphanet 1872, MedGen C1858806, MONDO:0011395, OMIM 604116.
Retinitis pigmentosa 19 (RP19). Also called: ABCA4-Related Retinitis Pigmentosa. Identifiers: Orphanet 791, MedGen C1866422, MONDO:0011137, OMIM 601718.
Severe early-childhood-onset retinal dystrophy (STGD1). Also called: MACULAR DYSTROPHY WITH FLECKS, TYPE 1; STGD; Stargardt macular dystrophy; Juvenile onset macular degeneration; Stargardt disease 1. Identifiers: Orphanet 364055, Orphanet 827, MedGen C1855465, MeSH D000080362, MONDO:0009549, OMIM 248200.

Submissions (18):

ClinGen ABCA4 Variant Curation Expert Panel, Clingen
Classification: Pathogenic for ABCA4-related retinopathy. Last evaluated: 2026-01-27. Review status: reviewed by expert panel. Criteria: ClinGen ABCA4 ACMG Specifications V1.0.0. Collection method: curation. Allele origin: germline. Inheritance: Autosomal recessive inheritance.
Comment: This is a frameshift variant located in exon 30 out of 50, and introduces a premature stop codon between codons 1-2255 (PVS1). The total minor allele frequency in gnomAD v4.1.0 is 0.0000219 (34/1549428 alleles), which is lower than the ClinGen ABCA4 VCEP’s threshold for PM2_Supporting (<0.0001), meeting this criterion (PM2_Supporting). This individual also had an affected brother homozygous for this variant meeting criteria for PP1. In summary, this variant meets the criteria to be classified as pathogenic for ABCA4-related retinopathy based on the ACMG/AMP criteria applied, as specified by the ClinGen ABCA4 VCEP (Specification Version 1.0.0): PVS1, PM3_Supporting, PM2_Supporting, PP1.

PreventionGenetics, part of Exact Sciences
Classification: Pathogenic for ABCA4-related condition. Last evaluated: 2026-08-01. Review status: criteria provided, single submitter. Criteria: ACMG Guidelines, 2015. Collection method: clinical testing. Allele origin: germline. Not counted in ClinVar's aggregate classification.
Comment: The ABCA4 c.4537dupC variant is predicted to result in a frameshift and premature protein termination (p.Gln1513Profs*42). This variant has been reported many times in individuals with retinal disease (see for examples: Briggs et al. 2001. PubMed ID: 11527935; Xu et al. 2014. PubMed ID: 24938718; Table S1, Birtel et al. 2018. PubMed ID: 29555955; Table S1, Lin et al. 2024. PubMed ID: 38219857). This variant is present in 0.022% of alleles in individuals of African descent in gnomAD. Frameshift variants in ABCA4 are an established mechanism of disease. This variant is interpreted as pathogenic.

Labcorp Genetics (formerly Invitae), Labcorp
Classification: Pathogenic. Last evaluated: 2025-09-24. Review status: criteria provided, single submitter. Criteria: Invitae Variant Classification Sherloc (09022015). Collection method: clinical testing. Allele origin: germline. Not counted in ClinVar's aggregate classification.
Comment: This sequence change creates a premature translational stop signal (p.Gln1513Profs*42) in the ABCA4 gene. It is expected to result in an absent or disrupted protein product. Loss-of-function variants in ABCA4 are known to be pathogenic (PMID: 10958761, 24938718, 25312043, 26780318). The frequency data for this variant in the population databases is considered unreliable, as metrics indicate poor data quality at this position in the gnomAD database. This premature translational stop signal has been observed in individuals with inherited retinal dystrophy (PMID: 11527935, 28041643). ClinVar contains an entry for this variant (Variation ID: 99292). For these reasons, this variant has been classified as Pathogenic.

Revvity Omics, Revvity
Classification: Pathogenic. Last evaluated: 2025-04-17. Review status: criteria provided, single submitter. Criteria: ACMG Guidelines, 2015. Collection method: clinical testing. Allele origin: germline. Not counted in ClinVar's aggregate classification.

Blueprint Genetics
Classification: Pathogenic for ABCA4-related disorders. Last evaluated: 2023-04-05. Review status: criteria provided, single submitter. Criteria: ACMG Guidelines, 2015. Collection method: clinical testing. Allele origin: germline. Affected: yes. Observed: 5 variant alleles. Not counted in ClinVar's aggregate classification.

GeneDx
Classification: Pathogenic. Last evaluated: 2022-10-17. Review status: criteria provided, single submitter. Criteria: GeneDx Variant Classification Process June 2021. Collection method: clinical testing. Allele origin: germline. Affected: yes. Not counted in ClinVar's aggregate classification.
Comment: Frameshift variant predicted to result in protein truncation or nonsense mediated decay in a gene for which loss-of-function is a known mechanism of disease; This variant is associated with the following publications: (PMID: 26872967, 11527935, 25097154, 18652558, 22968130, 24938718, 29555955, 28041643, 31872526, 32581362, 32619608, 31429209, 32531858, 34758253, 29925512)

Institute of Medical Genetics and Applied Genomics, University Hospital Tübingen
Classification: Pathogenic. Last evaluated: 2020-10-23. Review status: criteria provided, single submitter. Criteria: ACMG Guidelines, 2015. Collection method: clinical testing. Allele origin: germline. Inheritance: Autosomal recessive inheritance. Affected: yes. Not counted in ClinVar's aggregate classification.

Broad Center for Mendelian Genomics, Broad Institute of MIT and Harvard
Classification: Pathogenic for Cone-rod dystrophy 3. Last evaluated: 2018-12-03. Review status: criteria provided, single submitter. Criteria: ACMG Guidelines, 2015. Collection method: research. Allele origin: germline. Inheritance: Autosomal recessive inheritance. Affected: yes. Not counted in ClinVar's aggregate classification.
Comment: The p.Gln1513ProfsTer42 variant in ABCA4 has not been previously reported in individuals with cone-rod dystrophy but has been identified in 0.004031% (6/148860) of chromosomes by the Genome Aggregation Database (gnomAD; dbSNP rs281865377). Although this variant has been seen in the general population, its frequency is low enough to be consistent with a recessive carrier frequency. This variant is predicted to cause a frameshift, which alters the protein's amino acid sequence beginning at position 1513 and leads to a premature termination codon 42 amino acids downstream. This alteration is then predicted to lead to a truncated or absent protein. Loss of function of the ABCA4 gene is an established disease mechanism in autosomal recessive cone-rod dystrophy, and this is a loss of function variant. The presence of this variant in combination with a likely pathogenic variant and in an individual with cone-rod dystrophy increases the likelihood that the p.Gln1513ProfsTer42 variant is pathogenic. In summary, this variant meets criteria to be classified as pathogenic for cone-rod dystrophy in an autosomal recessive manner based on the predicted impact of the variant and the presence of a likely pathogenic variant in trans. ACMG/AMP Criteria applied: PM2, PVS1, PM3_Supporting (Richards 2015).

Clinical Genetics Service, Universitary Hospital 12 de Octubre
Classification: Pathogenic for Severe early-childhood-onset retinal dystrophy. Review status: criteria provided, single submitter. Criteria: ACMG Guidelines, 2015. Collection method: clinical testing. Allele origin: germline. Affected: yes. Not counted in ClinVar's aggregate classification.

Institute of Human Genetics, Univ. Regensburg, Univ. Regensburg
Classification: Pathogenic for Retinal dystrophy. Last evaluated: 2023-01-01. Review status: no assertion criteria provided. Criteria: ACMG Guidelines, 2015. Collection method: clinical testing. Allele origin: germline. Affected: yes. Not counted in ClinVar's aggregate classification.

Sharon lab, Hadassah-Hebrew University Medical Center
Classification: Pathogenic for Cone-rod degeneration. Last evaluated: 2019-06-23. Review status: no assertion criteria provided. Collection method: research. Allele origin: inherited. Affected: yes. Not counted in ClinVar's aggregate classification.

Joint Genome Diagnostic Labs from Nijmegen and Maastricht, Radboudumc and MUMC+
Classification: Pathogenic for Retinitis pigmentosa 19. Last evaluated: 2016-09-01. Review status: no assertion criteria provided. Collection method: clinical testing. Allele origin: unknown. Affected: yes. Observed: 1 variant allele. Not counted in ClinVar's aggregate classification.

Centre for Genomic Medicine, Manchester, Central Manchester University Hospitals
Classification: Likely pathogenic for Severe early-childhood-onset retinal dystrophy. Last evaluated: 2015-01-22. Review status: no assertion criteria provided. Collection method: clinical testing. Allele origin: germline. Affected: yes. Not counted in ClinVar's aggregate classification.

NIHR Bioresource Rare Diseases, University of Cambridge
Classification: Pathogenic for Retinitis pigmentosa. Last evaluated: 2015-01-01. Review status: no assertion criteria provided. Collection method: research. Allele origin: unknown. Affected: yes. Observed: 1 variant allele. Not counted in ClinVar's aggregate classification.

NIHR Bioresource Rare Diseases, University of Cambridge
Classification: Likely pathogenic for Macular dystrophy. Last evaluated: 2015-01-01. Review status: no assertion criteria provided. Collection method: research. Allele origin: unknown. Affected: yes. Observed: 1 variant allele. Not counted in ClinVar's aggregate classification.

Genomics England Pilot Project, Genomics England
Classification: Likely pathogenic for Retinitis pigmentosa 19. Review status: no assertion criteria provided. Criteria: ACGS Guidelines, 2016. Collection method: clinical testing. Allele origin: germline. Affected: yes. Not counted in ClinVar's aggregate classification.

Ophthalmo-Genetics Lab, Instituto de Oftalmologia Conde de Valenciana
Classification: Pathogenic for Severe early-childhood-onset retinal dystrophy. Review status: no assertion criteria provided. Collection method: research. Allele origin: germline. Inheritance: Autosomal recessive inheritance. Affected: yes. Not counted in ClinVar's aggregate classification.

Retina International
No classification provided. Review status: no classification provided. Collection method: not provided. Allele origin: not provided. Not counted in ClinVar's aggregate classification.

Literature cited by the submitters: PubMed 10958761 (cited by Labcorp Genetics (formerly Invitae), Labcorp); PubMed 24938718 (cited by Labcorp Genetics (formerly Invitae), Labcorp); PubMed 25312043 (cited by Labcorp Genetics (formerly Invitae), Labcorp); PubMed 26780318 (cited by Labcorp Genetics (formerly Invitae), Labcorp); PubMed 11527935 (cited by Labcorp Genetics (formerly Invitae), Labcorp and NIHR Bioresource Rare Diseases, University of Cambridge); PubMed 28041643 (cited by Labcorp Genetics (formerly Invitae), Labcorp and NIHR Bioresource Rare Diseases, University of Cambridge); PubMed 26872967 (cited by Centre for Genomic Medicine, Manchester, Central Manchester University Hospitals); PubMed 25066811 (cited by Ophthalmo-Genetics Lab, Instituto de Oftalmologia Conde de Valenciana).